The following is an entry in ClinVar:

NM_017780.4(CHD7):c.3040G>A (p.Gly1014Arg)

Gene: CHD7 (chromodomain helicase DNA binding protein 7; plus strand). Cytogenetic location: 8q12.2.
Variant type: single nucleotide variant.
Coding change: c.3040G>A on transcript NM_017780.4 (MANE Select); coding-DNA position 3040, G replaced by A.
Protein change: p.Gly1014Arg; replaces glycine 1014 with arginine.
Molecular consequence: missense variant. On other transcripts: intron variant (1).
Genome position (GRCh38, 1-based): chr8:60,822,585, G>A. VCF-style: chr8-60822585-G-A. GRCh37 (hg19) VCF-style: chr8-61735144-G-A.
Other names: c.1717-39644G>A (NM_001316690.1); short protein forms G1014R.
Identifiers: ClinVar variation 4856267 (VCV004856267.1).

ClinVar aggregate classification (germline): Uncertain significance (1 of 4 stars; one submission).

Conditions:
CHD7-related CHARGE syndrome. Identifiers: MedGen CN380413, MONDO:1010178, OMIM 214800.

Submission:

3billion
Classification: Uncertain significance for CHD7-related CHARGE syndrome. Last evaluated: 2025-08-20. Review status: criteria provided, single submitter. Criteria: ACMG Guidelines, 2015. Collection method: clinical testing. Allele origin: germline. Affected: yes.
Comment: The variant is not observed in the gnomAD v4.1.0 dataset. Predicted Consequence/Location: Missense variant In silico tool predictions suggest damaging effect of the variant on gene or gene product [REVEL: 0.70 (>=0.6, sensitivity 0.68 and specificity 0.92); 3Cnet: 0.98 (> 0.75, sensitivity 0.96 and precision 0.92)]. Different missense changes at the same codon have been reported as of uncertain significance (ClinVar ID: VCV002125936). Therefore, this variant is classified as VUS according to the recommendation of ACMG/AMP guideline.